The following is an entry in ClinVar:

ClinVar aggregate classification (germline): Conflicting classifications of pathogenicity. Review status: criteria provided, conflicting classifications (1 of 4 stars). 2 submissions from 2 submitters: Uncertain significance (1); Likely benign (1). Last evaluated 2026-02-01.

Conditions:
Developmental and epileptic encephalopathy, 9 (DEE9). Also called: JUBERG-HELLMAN SYNDROME; PCDH19-Related X-Linked Female-Limited Epilepsy with Mental Retardation; Early infantile epileptic encephalopathy 9; EPILEPSY, FEMALE-RESTRICTED, WITH MENTAL RETARDATION. Identifiers: Orphanet 101039, Orphanet 2076, MedGen C1848137, MONDO:0010246, OMIM 300088. Disease mechanism: loss of function.

Allele frequency attached by ClinVar (database versions not stated): gnomAD exomes 0.00001; ExAC 0.00003.
gnomAD v4.1: 10 of 1,212,150 alleles (0.00082%); highest among the groups gnomAD compares: Middle Eastern, 0.023%; no homozygotes.

Submissions (2):

CeGaT Center for Human Genetics Tuebingen
Classification: Likely benign. Last evaluated: 2026-02-01. Review status: criteria provided, single submitter. Criteria: CeGaT Center For Human Genetics Tuebingen Variant Classification Criteria Version 2. Collection method: clinical testing. Allele origin: germline. Affected: yes. Observed: 1 variant allele.
Comment: PCDH19: BS2

Labcorp Genetics (formerly Invitae), Labcorp
Classification: Uncertain significance for Developmental and epileptic encephalopathy, 9. Last evaluated: 2022-11-08. Review status: criteria provided, single submitter. Criteria: Invitae Variant Classification Sherloc (09022015). Collection method: clinical testing. Allele origin: germline.
Comment: In summary, the available evidence is currently insufficient to determine the role of this variant in disease. Therefore, it has been classified as a Variant of Uncertain Significance. Advanced modeling of protein sequence and biophysical properties (such as structural, functional, and spatial information, amino acid conservation, physicochemical variation, residue mobility, and thermodynamic stability) has been performed at Invitae for this missense variant, however the output from this modeling did not meet the statistical confidence thresholds required to predict the impact of this variant on PCDH19 protein function. This variant has not been reported in the literature in individuals affected with PCDH19-related conditions. This variant is present in population databases (rs775374379, gnomAD 0.03%). This sequence change replaces threonine, which is neutral and polar, with isoleucine, which is neutral and non-polar, at codon 440 of the PCDH19 protein (p.Thr440Ile).

NM_001184880.2(PCDH19):c.1319C>T (p.Thr440Ile)

Gene: PCDH19 (protocadherin 19; minus strand). Cytogenetic location: Xq22.1.
Variant type: single nucleotide variant.
Coding change: c.1319C>T on transcript NM_001184880.2 (MANE Select); coding-DNA position 1319, C replaced by T.
Protein change: p.Thr440Ile; replaces threonine 440 with isoleucine.
Molecular consequence: missense variant.
Genome position (GRCh38, 1-based): chrX:100,407,279, G>A on the plus strand (C>T on the coding strand, the complement: PCDH19 is on the minus strand). VCF-style: chrX-100407279-G-A. GRCh37 (hg19) VCF-style: chrX-99662277-G-A.
Other names: c.1319C>T, p.Thr440Ile (NM_001105243.2, NM_020766.3); short protein forms T440I.
Identifiers: ClinVar variation 2895197 (VCV002895197.7), dbSNP rs775374379, ClinGen allele CA10468898.